The following is an entry in ClinVar:

NM_007194.4(CHEK2):c.1492C>A (p.Leu498Ile)

Gene: CHEK2 (checkpoint kinase 2; minus strand). Cytogenetic location: 22q12.1.
Variant type: single nucleotide variant.
Coding change: c.1492C>A on transcript NM_007194.4 (MANE Select); coding-DNA position 1492, C replaced by A.
Protein change: p.Leu498Ile; replaces leucine 498 with isoleucine.
Molecular consequence: missense variant.
Genome position (GRCh38, 1-based): chr22:28,689,185, G>T on the plus strand (C>A on the coding strand, the complement: CHEK2 is on the minus strand). VCF-style: chr22-28689185-G-T. GRCh37 (hg19) VCF-style: chr22-29085173-G-T.
Other names: c.1621C>A, p.Leu541Ile (NM_001005735.3); c.829C>A, p.Leu277Ile (NM_001257387.3); c.1291C>A, p.Leu431Ile (NM_001349956.3); c.1405C>A, p.Leu469Ile (NM_145862.3); short protein forms L277I, L431I, L469I, L498I, L541I.
Identifiers: ClinVar variation 3226026 (VCV003226026.1), dbSNP rs2052245756, ClinGen allele CA411092481.

ClinVar aggregate classification (germline): Uncertain significance (1 of 4 stars; one submission).

Conditions:
Hereditary cancer-predisposing syndrome. Also called: Neoplastic Syndromes, Hereditary; Tumor predisposition; Hereditary neoplastic syndrome; Hereditary Cancer Syndrome. Identifiers: Orphanet 140162, MedGen C0027672, MeSH D009386, MONDO:0015356.

Submission:

Ambry Genetics
Classification: Uncertain significance for Hereditary cancer-predisposing syndrome. Last evaluated: 2023-11-19. Review status: criteria provided, single submitter. Criteria: Ambry Variant Classification Scheme 2023. Collection method: clinical testing. Allele origin: germline.
Comment: The p.L498I variant (also known as c.1492C>A), located in coding exon 13 of the CHEK2 gene, results from a C to A substitution at nucleotide position 1492. The leucine at codon 498 is replaced by isoleucine, an amino acid with highly similar properties. This amino acid position is conserved. In addition, this alteration is predicted to be tolerated by in silico analysis. Since supporting evidence is limited at this time, the clinical significance of this alteration remains unclear.